The following is an entry in ClinVar:

ClinVar aggregate classification (germline): Uncertain significance (1 of 4 stars; one submission).

Submission:

Labcorp Genetics (formerly Invitae), Labcorp
Classification: Uncertain significance. Last evaluated: 2022-05-17. Review status: criteria provided, single submitter. Criteria: Invitae Variant Classification Sherloc (09022015). Collection method: clinical testing. Allele origin: germline.
Comment: In summary, the available evidence is currently insufficient to determine the role of this variant in disease. Therefore, it has been classified as a Variant of Uncertain Significance. Algorithms developed to predict the effect of missense changes on protein structure and function (SIFT, PolyPhen-2, Align-GVGD) all suggest that this variant is likely to be tolerated. This variant has not been reported in the literature in individuals affected with CFH-related conditions. This variant is not present in population databases (gnomAD no frequency). This sequence change replaces threonine, which is neutral and polar, with alanine, which is neutral and non-polar, at codon 913 of the CFH protein (p.Thr913Ala).

NM_000186.4(CFH):c.2737A>G (p.Thr913Ala)

Gene: CFH (complement factor H; plus strand). Cytogenetic location: 1q31.3.
Variant type: single nucleotide variant.
Coding change: c.2737A>G on transcript NM_000186.4 (MANE Select); coding-DNA position 2737, A replaced by G.
Protein change: p.Thr913Ala; replaces threonine 913 with alanine.
Molecular consequence: missense variant.
Genome position (GRCh38, 1-based): chr1:196,737,615, A>G. VCF-style: chr1-196737615-A-G. GRCh37 (hg19) VCF-style: chr1-196706745-A-G.
Other names: short protein forms T913A.
Identifiers: ClinVar variation 1958986 (VCV001958986.5), dbSNP rs1652607340, ClinGen allele CA343994336.